The following is an entry in ClinVar:

NM_001134407.3(GRIN2A):c.2928T>A (p.Asn976Lys)

Gene: GRIN2A (glutamate ionotropic receptor NMDA type subunit 2A; minus strand). Cytogenetic location: 16p13.2.
Variant type: single nucleotide variant.
Coding change: c.2928T>A on transcript NM_001134407.3 (MANE Select); coding-DNA position 2928, T replaced by A.
Protein change: p.Asn976Lys; replaces asparagine 976 with lysine.
Molecular consequence: missense variant.
Genome position (GRCh38, 1-based): chr16:9,764,616, A>T on the plus strand (T>A on the coding strand, the complement: GRIN2A is on the minus strand). VCF-style: chr16-9764616-A-T. GRCh37 (hg19) VCF-style: chr16-9858473-A-T.
Other names: c.2928T>A, p.Asn976Lys (NM_000833.5, NM_001134408.2); short protein forms N976K.
Identifiers: ClinVar variation 4750046 (VCV004750046.1).

ClinVar aggregate classification (germline): Uncertain significance (1 of 4 stars; one submission).

Conditions:
Landau-Kleffner syndrome (FESD). Also called: EPILEPSY, FOCAL, WITH SPEECH DISORDER AND WITH OR WITHOUT MENTAL RETARDATION; APHASIA, ACQUIRED, WITH EPILEPSY. Identifiers: Orphanet 1945, Orphanet 725, Orphanet 98818, MedGen C0282512, MONDO:0009509, OMIM 245570.

gnomAD v4.1: 6 of 1,613,974 alleles (0.00037%); highest among the groups gnomAD compares: African/African-American, 0.0027%; no homozygotes.

Submission:

Labcorp Genetics (formerly Invitae), Labcorp
Classification: Uncertain significance for Landau-Kleffner syndrome. Last evaluated: 2025-08-20. Review status: criteria provided, single submitter. Criteria: Invitae Variant Classification Sherloc (09022015). Collection method: clinical testing. Allele origin: germline.
Comment: This sequence change replaces asparagine, which is neutral and polar, with lysine, which is basic and polar, at codon 976 of the GRIN2A protein (p.Asn976Lys). This variant is not present in population databases (gnomAD no frequency). This missense change has been observed in individual(s) with clinical features of GRIN2A-related conditions (internal data). Invitae Evidence Modeling of protein sequence and biophysical properties (such as structural, functional, and spatial information, amino acid conservation, physicochemical variation, residue mobility, and thermodynamic stability) indicates that this missense variant is not expected to disrupt GRIN2A protein function with a negative predictive value of 95%. In summary, the available evidence is currently insufficient to determine the role of this variant in disease. Therefore, it has been classified as a Variant of Uncertain Significance.